The following is an entry in ClinVar:

ClinVar aggregate classification (germline): Pathogenic (1 of 4 stars; one submission).

Conditions:
Luscan-Lumish syndrome. Identifiers: Orphanet 597738, MedGen C4085873, MONDO:0014791, OMIM 616831.

Submission:

Labcorp Genetics (formerly Invitae), Labcorp
Classification: Pathogenic for Luscan-Lumish syndrome. Last evaluated: 2024-09-03. Review status: criteria provided, single submitter. Criteria: Invitae Variant Classification Sherloc (09022015). Collection method: clinical testing. Allele origin: germline.
Comment: This sequence change creates a premature translational stop signal (p.Gln2050*) in the SETD2 gene. It is expected to result in an absent or disrupted protein product. Loss-of-function variants in SETD2 are known to be pathogenic (PMID: 24852293, 26084711). This variant is not present in population databases (gnomAD no frequency). This variant has not been reported in the literature in individuals affected with SETD2-related conditions. For these reasons, this variant has been classified as Pathogenic.

Literature cited by the submitters: PubMed 24852293; PubMed 26084711.

NM_014159.7(SETD2):c.6148C>T (p.Gln2050Ter)

Gene: SETD2 (SET domain containing 2, histone lysine methyltransferase; minus strand). Cytogenetic location: 3p21.31.
Variant type: single nucleotide variant.
Coding change: c.6148C>T on transcript NM_014159.7 (MANE Select); coding-DNA position 6148, C replaced by T.
Protein change: p.Gln2050Ter; replaces glutamine 2050 with a stop codon.
Molecular consequence: nonsense. On other transcripts: non-coding transcript variant (1).
Genome position (GRCh38, 1-based): chr3:47,062,308, G>A on the plus strand (C>T on the coding strand, the complement: SETD2 is on the minus strand). VCF-style: chr3-47062308-G-A. GRCh37 (hg19) VCF-style: chr3-47103798-G-A.
Other names: c.6016C>T, p.Gln2006Ter (NM_001349370.3); short protein forms Q2050*, Q2006*.
Identifiers: ClinVar variation 3663855 (VCV003663855.2).